The following is an entry in ClinVar:

ClinVar aggregate classification (germline): Likely benign. Review status: criteria provided, multiple submitters, no conflicts (2 of 4 stars). 2 submissions from 2 submitters: Likely benign (2). Last evaluated 2023-05-15.

Conditions:
Autosomal recessive limb-girdle muscular dystrophy type 2U. Also called: Muscular dystrophy-dystroglycanopathy (limb-girdle), type c, 7; MUSCULAR DYSTROPHY, LIMB-GIRDLE, TYPE 2U. Identifiers: Orphanet 352479, MedGen C5190987, MONDO:0014474, OMIM 616052.
Muscular dystrophy-dystroglycanopathy (congenital with brain and eye anomalies), type A, 7. Also called: WALKER-WARBURG SYNDROME OR MUSCLE-EYE-BRAIN DISEASE, ISPD-RELATED; Congenital muscular dystrophy-dystroglycanopathy with brain and eye anomalies, type A7. Identifiers: Orphanet 899, MedGen C3553330, MONDO:0013835, OMIM 614643.

Allele frequency attached by ClinVar (database versions not stated): TOPMed below 0.00001.
gnomAD v4.1: 15 of 1,555,620 alleles (0.00096%); highest among the groups gnomAD compares: Non-Finnish European, 0.0013%; no homozygotes.

Submissions (2):

Labcorp Genetics (formerly Invitae), Labcorp
Classification: Likely benign for Muscular dystrophy-dystroglycanopathy (congenital with brain and eye anomalies), type A, 7; Autosomal recessive limb-girdle muscular dystrophy type 2U. Last evaluated: 2023-05-15. Review status: criteria provided, single submitter. Criteria: Invitae Variant Classification Sherloc (09022015). Collection method: clinical testing. Allele origin: germline.

GeneDx
Classification: Likely benign. Last evaluated: 2017-08-23. Review status: criteria provided, single submitter. Criteria: GeneDx Variant Classification (06012015). Collection method: clinical testing. Allele origin: germline. Affected: yes.
Comment: This variant is considered likely benign or benign based on one or more of the following criteria: it is a conservative change, it occurs at a poorly conserved position in the protein, it is predicted to be benign by multiple in silico algorithms, and/or has population frequency not consistent with disease.

NM_001101426.4(CRPPA):c.1338T>G (p.Gly446=)

Gene: CRPPA (CDP-L-ribitol pyrophosphorylase A; minus strand). Cytogenetic location: 7p21.2.
Variant type: single nucleotide variant.
Coding change: c.1338T>G on transcript NM_001101426.4 (MANE Select); coding-DNA position 1338, T replaced by G.
Protein change: p.Gly446=; no amino-acid change (glycine 446 retained).
Molecular consequence: synonymous variant. On other transcripts: non-coding transcript variant (1).
Genome position (GRCh38, 1-based): chr7:16,091,713, A>C on the plus strand (T>G on the coding strand, the complement: CRPPA is on the minus strand). VCF-style: chr7-16091713-A-C. GRCh37 (hg19) VCF-style: chr7-16131338-A-C.
Other names: c.1188T>G, p.Gly396= (NM_001101417.4); c.1233T>G, p.Gly411= (NM_001368197.1).
Identifiers: ClinVar variation 511609 (VCV000511609.10), dbSNP rs1424229425, ClinGen allele CA454031689.
Genomic context (GRCh38, chr7:16,091,713, plus strand): 5'-CGCAAATAGATGTTTTAGAAAATAGGTAATTTTTTGTGTTCTTCATGCTATCAGAAGCTG[A>C]CCAATGAGTCCAGAATTTCTTTCCTTGATTAATGAAGCAATAATGATAGCACCTTGCCTT-3'
Protein context (NP_001094896.1, residues 436-451): LIKERNSGLI[Gly446=]QLLIA